The following is an entry in ClinVar:

NM_004333.6(BRAF):c.317G>C (p.Gly106Ala)

Gene: BRAF (B-Raf proto-oncogene, serine/threonine kinase; minus strand). Cytogenetic location: 7q34.
Variant type: single nucleotide variant.
Coding change: c.317G>C on transcript NM_004333.6 (MANE Select); coding-DNA position 317, G replaced by C.
Protein change: p.Gly106Ala; replaces glycine 106 with alanine.
Molecular consequence: missense variant. On other transcripts: intron variant (1).
Genome position (GRCh38, 1-based): chr7:140,834,796, C>G on the plus strand (G>C on the coding strand, the complement: BRAF is on the minus strand). VCF-style: chr7-140834796-C-G. GRCh37 (hg19) VCF-style: chr7-140534596-C-G.
Other names: c.240+15315G>C (NM_001378475.1); c.317G>C, p.Gly106Ala (NM_001354609.2, NM_001374244.1, NM_001374258.1 and 5 more transcripts); c.215G>C, p.Gly72Ala (NM_001378470.1); c.161G>C, p.Gly54Ala (NM_001378472.1, NM_001378473.1); short protein forms G54A, G106A, G72A.
Identifiers: ClinVar variation 1500536 (VCV001500536.6), dbSNP rs1322163182, ClinGen allele CA369593799.

ClinVar aggregate classification (germline): Uncertain significance (1 of 4 stars; one submission).

Conditions:
RASopathy. Also called: rasopathies; Noonan spectrum disorder. Identifiers: Orphanet 536391, MedGen C5555857, MONDO:0021060.

gnomAD v4.1: 1 of 1,614,170 alleles (0.000062%); highest among the groups gnomAD compares: African/African-American, 0.0013%; no homozygotes.

Submission:

Labcorp Genetics (formerly Invitae), Labcorp
Classification: Uncertain significance for RASopathy. Last evaluated: 2023-11-03. Review status: criteria provided, single submitter. Criteria: Invitae Variant Classification Sherloc (09022015). Collection method: clinical testing. Allele origin: germline.
Comment: This sequence change replaces glycine, which is neutral and non-polar, with alanine, which is neutral and non-polar, at codon 106 of the BRAF protein (p.Gly106Ala). This variant is not present in population databases (gnomAD no frequency). This variant has not been reported in the literature in individuals affected with BRAF-related conditions. ClinVar contains an entry for this variant (Variation ID: 1500536). Advanced modeling of protein sequence and biophysical properties (such as structural, functional, and spatial information, amino acid conservation, physicochemical variation, residue mobility, and thermodynamic stability) has been performed at Invitae for this missense variant, however the output from this modeling did not meet the statistical confidence thresholds required to predict the impact of this variant on BRAF protein function. In summary, the available evidence is currently insufficient to determine the role of this variant in disease. Therefore, it has been classified as a Variant of Uncertain Significance.